The following is an entry in ClinVar:

NM_152594.3(SPRED1):c.808G>C (p.Asp270His)

Gene: SPRED1 (sprouty related EVH1 domain containing 1; plus strand). Cytogenetic location: 15q14.
Variant type: single nucleotide variant.
Coding change: c.808G>C on transcript NM_152594.3 (MANE Select); coding-DNA position 808, G replaced by C.
Protein change: p.Asp270His; replaces aspartic acid 270 with histidine.
Molecular consequence: missense variant.
Genome position (GRCh38, 1-based): chr15:38,351,137, G>C. VCF-style: chr15-38351137-G-C. GRCh37 (hg19) VCF-style: chr15-38643338-G-C.
Other names: short protein forms D270H.
Identifiers: ClinVar variation 3961414 (VCV003961414.1).

ClinVar aggregate classification (germline): Uncertain significance (1 of 4 stars; one submission).

Conditions:
Cardiovascular phenotype. Identifiers: MedGen CN230736.

Submission:

Ambry Genetics
Classification: Uncertain significance for Cardiovascular phenotype. Last evaluated: 2025-06-13. Review status: criteria provided, single submitter. Criteria: Ambry Variant Classification Scheme 2023. Collection method: clinical testing. Allele origin: germline.
Comment: The p.D270H variant (also known as c.808G>C), located in coding exon 7 of the SPRED1 gene, results from a G to C substitution at nucleotide position 808. The aspartic acid at codon 270 is replaced by histidine, an amino acid with similar properties. This amino acid position is conserved. In addition, the in silico prediction for this alteration is inconclusive. Based on the available evidence, the clinical significance of this variant remains unclear.